The following is an entry in ClinVar:

ClinVar aggregate classification (germline): Uncertain significance. Review status: criteria provided, multiple submitters, no conflicts (2 of 4 stars). 3 submissions from 3 submitters: Uncertain significance (3). Last evaluated 2024-03-06.

Conditions:
Hereditary cancer-predisposing syndrome. Also called: Hereditary Cancer Syndrome; Tumor predisposition; Neoplastic Syndromes, Hereditary; Hereditary neoplastic syndrome. Identifiers: Orphanet 140162, MedGen C0027672, MeSH D009386, MONDO:0015356.
Ataxia-telangiectasia syndrome (AT). Also called: ATAXIA-TELANGIECTASIA, FRESNO VARIANT; Ataxia-telangiectasia, complementation group E; Ataxia telangiectasia (A-T); Cerebello-oculocutaneous telangiectasia; Immunodeficiency with ataxia telangiectasia; LOUIS-BAR SYNDROME. Identifiers: Orphanet 100, MedGen C0004135, MONDO:0008840, OMIM 208900.

Submissions (3):

Color Diagnostics, LLC DBA Color Health
Classification: Uncertain significance for Hereditary cancer-predisposing syndrome. Last evaluated: 2024-03-06. Review status: criteria provided, single submitter. Criteria: ACMG Guidelines, 2015. Collection method: clinical testing. Allele origin: germline.
Comment: This missense variant replaces tyrosine with asparagine at codon 861 of the ATM protein. Computational prediction suggests that this variant may not impact protein structure and function (internally defined REVEL score threshold <= 0.5, PMID: 27666373). To our knowledge, functional studies have not been reported for this variant. This variant has not been reported in individuals affected with hereditary cancer in the literature. This variant has not been identified in the general population by the Genome Aggregation Database (gnomAD). The available evidence is insufficient to determine the role of this variant in disease conclusively. Therefore, this variant is classified as a Variant of Uncertain Significance.

Ambry Genetics
Classification: Uncertain significance for Hereditary cancer-predisposing syndrome. Last evaluated: 2024-03-02. Review status: criteria provided, single submitter. Criteria: Ambry Variant Classification Scheme 2023. Collection method: clinical testing. Allele origin: germline.
Comment: The p.Y861N variant (also known as c.2581T>A), located in coding exon 16 of the ATM gene, results from a T to A substitution at nucleotide position 2581. The tyrosine at codon 861 is replaced by asparagine, an amino acid with dissimilar properties. This amino acid position is conserved. In addition, this alteration is predicted to be tolerated by in silico analysis. Based on the available evidence, the clinical significance of this alteration remains unclear.

Labcorp Genetics (formerly Invitae), Labcorp
Classification: Uncertain significance for Ataxia-telangiectasia syndrome. Last evaluated: 2023-04-12. Review status: criteria provided, single submitter. Criteria: Invitae Variant Classification Sherloc (09022015). Collection method: clinical testing. Allele origin: germline.
Comment: In summary, the available evidence is currently insufficient to determine the role of this variant in disease. Therefore, it has been classified as a Variant of Uncertain Significance. Algorithms developed to predict the effect of missense changes on protein structure and function output the following: SIFT: "Not Available"; PolyPhen-2: "Benign"; Align-GVGD: "Not Available". The asparagine amino acid residue is found in multiple mammalian species, which suggests that this missense change does not adversely affect protein function. ClinVar contains an entry for this variant (Variation ID: 649361). This variant has not been reported in the literature in individuals affected with ATM-related conditions. This variant is not present in population databases (gnomAD no frequency). This sequence change replaces tyrosine, which is neutral and polar, with asparagine, which is neutral and polar, at codon 861 of the ATM protein (p.Tyr861Asn).

NM_000051.4(ATM):c.2581T>A (p.Tyr861Asn)

Gene: ATM (ATM serine/threonine kinase; plus strand). Cytogenetic location: 11q22.3.
Variant type: single nucleotide variant.
Coding change: c.2581T>A on transcript NM_000051.4 (MANE Select); coding-DNA position 2581, T replaced by A.
Protein change: p.Tyr861Asn; replaces tyrosine 861 with asparagine.
Molecular consequence: missense variant.
Genome position (GRCh38, 1-based): chr11:108,267,285, T>A. VCF-style: chr11-108267285-T-A. GRCh37 (hg19) VCF-style: chr11-108138012-T-A.
Other names: c.2581T>A, p.Tyr861Asn (NM_001351834.2); short protein forms Y861N.
Identifiers: ClinVar variation 649361 (VCV000649361.15), dbSNP rs1565416692, ClinGen allele CA382543952.